The following is an entry in ClinVar:

ClinVar aggregate classification (germline): Conflicting classifications of pathogenicity. Review status: criteria provided, conflicting classifications (1 of 4 stars). 7 submissions from 6 submitters: Uncertain significance (3); Likely benign (4). Last evaluated 2026-01-25.

Conditions:
Autosomal recessive nonsyndromic hearing loss 7. Also called: DEAFNESS, AUTOSOMAL RECESSIVE 11. Identifiers: Orphanet 90636, MedGen C1832978, MONDO:0010967, OMIM 600974.
Autosomal dominant nonsyndromic hearing loss 36. Identifiers: Orphanet 90635, MedGen C1847626, MONDO:0011708, OMIM 606705.

Allele frequency attached by ClinVar (database versions not stated): ESP Exome Variant Server 0.00008; ExAC 0.00016; gnomAD 0.00016 and 0.00017; gnomAD exomes 0.00017 and 0.00025; TOPMed 0.00018.
gnomAD v4.1: 286 of 1,613,950 alleles (0.018%); highest among the groups gnomAD compares: Admixed American, 0.085%; 1 homozygote.

Submissions (7):

Labcorp Genetics (formerly Invitae), Labcorp
Classification: Likely benign. Last evaluated: 2026-01-25. Review status: criteria provided, single submitter. Criteria: Invitae Variant Classification Sherloc (09022015). Collection method: clinical testing. Allele origin: germline.

Blueprint Genetics
Classification: Likely benign. Last evaluated: 2024-07-18. Review status: criteria provided, single submitter. Criteria: ACMG Guidelines, 2015. Collection method: clinical testing. Allele origin: germline.

GeneDx
Classification: Likely benign. Last evaluated: 2021-01-12. Review status: criteria provided, single submitter. Criteria: GeneDx Variant Classification Process June 2021. Collection method: clinical testing. Allele origin: germline. Affected: yes.

Illumina Laboratory Services, Illumina
Classification: Uncertain significance for Autosomal recessive nonsyndromic hearing loss 7. Last evaluated: 2018-01-12. Review status: criteria provided, single submitter. Criteria: ICSL Variant Classification Criteria 13 December 2019. Collection method: clinical testing. Allele origin: germline.

Illumina Laboratory Services, Illumina
Classification: Uncertain significance for Autosomal dominant nonsyndromic hearing loss 36. Last evaluated: 2018-01-12. Review status: criteria provided, single submitter. Criteria: ICSL Variant Classification Criteria 13 December 2019. Collection method: clinical testing. Allele origin: germline.

Eurofins Ntd Llc (ga)
Classification: Uncertain significance. Last evaluated: 2017-09-20. Review status: criteria provided, single submitter. Criteria: EGL Classification Definitions 2015. Collection method: clinical testing. Allele origin: germline. Observed: 1 variant allele, 1 heterozygote.

Laboratory for Molecular Medicine, Mass General Brigham Personalized Medicine
Classification: Likely benign. Last evaluated: 2012-04-30. Review status: criteria provided, single submitter. Criteria: LMM Criteria. Collection method: clinical testing. Allele origin: germline. Observed: 1 variant allele.
Comment: Ala690Ala in Exon 21 of TMC1: This variant is not expected to have clinical sign ificance because it does not alter an amino acid residue, is not located within the splice consensus sequence, and has been identified in 1/7020 European Americ an chromosomes from a broad population by the NHLBI Exome Sequencing Project (dbSNP rs145757452).

NM_138691.3(TMC1):c.2070G>A (p.Ala690=)

Gene: TMC1 (transmembrane channel like 1; plus strand). Cytogenetic location: 9q21.13.
Variant type: single nucleotide variant.
Coding change: c.2070G>A on transcript NM_138691.3 (MANE Select); coding-DNA position 2070, G replaced by A.
Protein change: p.Ala690=; no amino-acid change (alanine 690 retained).
Molecular consequence: synonymous variant.
Genome position (GRCh38, 1-based): chr9:72,826,935, G>A. VCF-style: chr9-72826935-G-A. GRCh37 (hg19) VCF-style: chr9-75441851-G-A.
Identifiers: ClinVar variation 165441 (VCV000165441.24), dbSNP rs145757452, ClinGen allele CA178218.